The following is an entry in ClinVar:

NM_000256.3(MYBPC3):c.2957A>G (p.Lys986Arg)

Gene: MYBPC3 (myosin binding protein C3; minus strand). Cytogenetic location: 11p11.2.
Variant type: single nucleotide variant.
Coding change: c.2957A>G on transcript NM_000256.3 (MANE Select); coding-DNA position 2957, A replaced by G.
Protein change: p.Lys986Arg; replaces lysine 986 with arginine.
Molecular consequence: missense variant.
Genome position (GRCh38, 1-based): chr11:47,333,959, T>C on the plus strand (A>G on the coding strand, the complement: MYBPC3 is on the minus strand). VCF-style: chr11-47333959-T-C. GRCh37 (hg19) VCF-style: chr11-47355510-T-C.
Other names: short protein forms K986R.
Identifiers: ClinVar variation 3876150 (VCV003876150.2).

ClinVar aggregate classification (germline): Uncertain significance (1 of 4 stars; one submission).

Conditions:
Cardiovascular phenotype. Identifiers: MedGen CN230736.

gnomAD v4.1: 1 of 1,584,740 alleles (0.000063%); highest among the groups gnomAD compares: African/African-American, 0.0013%; no homozygotes.

Submission:

Ambry Genetics
Classification: Uncertain significance for Cardiovascular phenotype. Last evaluated: 2026-09-11. Review status: criteria provided, single submitter. Criteria: Ambry Variant Classification Scheme 2023. Collection method: clinical testing. Allele origin: germline.
Comment: The p.K986R variant (also known as c.2957A>G), located in coding exon 28 of the MYBPC3 gene, results from an A to G substitution at nucleotide position 2957. The lysine at codon 986 is replaced by arginine, an amino acid with highly similar properties. This amino acid position is conserved. In addition, this alteration is predicted to be tolerated by in silico analysis. Based on the available evidence, the clinical significance of this variant remains unclear.